The following is an entry in ClinVar:

NM_006648.4(WNK2):c.6206T>G (p.Val2069Gly)

Gene: WNK2 (WNK lysine deficient protein kinase 2; plus strand). Cytogenetic location: 9q22.31.
Variant type: single nucleotide variant.
Coding change: c.6206T>G on transcript NM_006648.4 (MANE Select); coding-DNA position 6206, T replaced by G.
Protein change: p.Val2069Gly; replaces valine 2069 with glycine.
Molecular consequence: missense variant.
Genome position (GRCh38, 1-based): chr9:93,300,141, T>G. VCF-style: chr9-93300141-T-G. GRCh37 (hg19) VCF-style: chr9-96062423-T-G.
Other names: c.6317T>G, p.Val2106Gly (NM_001282394.3); short protein forms V2106G, V2069G.
Identifiers: ClinVar variation 4605237 (VCV004605237.1).

ClinVar aggregate classification (germline): Uncertain significance (1 of 4 stars; one submission).

Submission:

Ambry Genetics
Classification: Uncertain significance. Last evaluated: 2025-10-10. Review status: criteria provided, single submitter. Criteria: Ambry Variant Classification Scheme 2023. Collection method: clinical testing. Allele origin: germline.
Comment: The p.V2069G variant (also known as c.6206T>G), located in coding exon 25 of the WNK2 gene, results from a T to G substitution at nucleotide position 6206. The valine at codon 2069 is replaced by glycine, an amino acid with dissimilar properties. This amino acid position is conserved. In addition, this alteration is predicted to be deleterious by in silico analysis. Based on the available evidence, the clinical significance of this variant remains unclear.